The following is an entry in ClinVar:

NM_017780.4(CHD7):c.7921_7922del (p.Leu2641fs)

Gene: CHD7 (chromodomain helicase DNA binding protein 7; plus strand). Cytogenetic location: 8q12.2.
Variant type: Deletion.
Coding change: c.7921_7922del on transcript NM_017780.4 (MANE Select); coding-DNA positions 7921 to 7922, 2 bases deleted (TT; older notation c.7921_7922delTT).
Protein change: p.Leu2641fs; shifts the reading frame from leucine 2641.
Molecular consequence: frameshift variant.
Genome position (GRCh38, 1-based): chr8:60,862,286-60,862,287, TT deleted; deleting any 2 consecutive bases within chr8:60,862,285-60,862,287 gives the same sequence; the c. name uses the placement nearest the transcript's 3' end. VCF-style (leftmost placement, unchanged base first): chr8-60862284-CTT-C. GRCh37 (hg19) VCF-style: chr8-61774843-CTT-C.
Other names: c.1774_1775del, p.Leu592fs (NM_001316690.1); c.7921_7922delTT (NM_017780.2); c.7921_7922del (NM_017780.2); short protein forms L2641fs, L592fs.
Identifiers: ClinVar variation 1190186 (VCV001190186.4), dbSNP rs2129721505, ClinGen allele CA2499219379.

ClinVar aggregate classification (germline): Pathogenic (1 of 4 stars; one submission).

Submission:

GeneDx
Classification: Pathogenic. Last evaluated: 2025-05-14. Review status: criteria provided, single submitter. Criteria: GeneDx Variant Classification Process June 2021. Collection method: clinical testing. Allele origin: germline. Affected: yes.
Comment: Reported as disease causing in an individual referred for testing of the CHD7 gene, however no specific clinical information was provided (PMID: 21158681); Frameshift variant predicted to result in protein truncation or nonsense mediated decay in a gene for which loss of function is a known mechanism of disease; Not observed at significant frequency in large population cohorts (gnomAD); This variant is associated with the following publications: (PMID: 21158681)